The following is an entry in ClinVar:

NM_003238.6(TGFB2):c.439G>A (p.Ala147Thr)

Gene: TGFB2 (transforming growth factor beta 2; plus strand). Cytogenetic location: 1q41.
Variant type: single nucleotide variant.
Coding change: c.439G>A on transcript NM_003238.6 (MANE Select); coding-DNA position 439, G replaced by A.
Protein change: p.Ala147Thr; replaces alanine 147 with threonine.
Molecular consequence: missense variant. On other transcripts: non-coding transcript variant (2).
Genome position (GRCh38, 1-based): chr1:218,405,261, G>A. VCF-style: chr1-218405261-G-A. GRCh37 (hg19) VCF-style: chr1-218578603-G-A.
Other names: c.523G>A, p.Ala175Thr (NM_001135599.4); short protein forms A147T, A175T.
Identifiers: ClinVar variation 4824781 (VCV004824781.1).
Genomic context (GRCh38, chr1:218,405,261, plus strand): 5'-TTCAGAATTGTTCGATTTGACGTCTCAGCAATGGAGAAGAATGCTTCCAATTTGGTGAAA[G>A]CAGAGTTCAGAGTCTTTCGTTTGCAGAACCCAAAAGCCAGAGTGCCTGAACAACGGATTG-3'
Protein context (NP_003229.1, residues 137-157): MEKNASNLVK[Ala147Thr]EFRVFRLQNP

ClinVar aggregate classification (germline): Uncertain significance (1 of 4 stars; one submission).

Conditions:
Familial thoracic aortic aneurysm and aortic dissection (TAAD). Also called: Thoracic aortic aneurysms and dissections. Identifiers: Orphanet 91387, MedGen C4707243, MONDO:0019625.

Submission:

Ambry Genetics
Classification: Uncertain significance for Familial thoracic aortic aneurysm and aortic dissection. Last evaluated: 2026-02-19. Review status: criteria provided, single submitter. Criteria: Ambry Variant Classification Scheme 2023. Collection method: clinical testing. Allele origin: germline.
Comment: The p.A147T variant (also known as c.439G>A), located in coding exon 2 of the TGFB2 gene, results from a G to A substitution at nucleotide position 439. The alanine at codon 147 is replaced by threonine, an amino acid with similar properties. This amino acid position is conserved. In addition, this alteration is predicted to be deleterious by in silico analysis. Based on the available evidence, the clinical significance of this variant remains unclear.